The following is an entry in ClinVar:

NM_001374426.1(PEX10):c.-321+994C>G

Gene: PEX10 (peroxisomal biogenesis factor 10; minus strand). Cytogenetic location: 1p36.32.
Variant type: single nucleotide variant.
Coding change: c.-321+994C>G on transcript NM_001374426.1; 994 bases into the intron after 321 bases upstream of the start codon, C replaced by G.
Molecular consequence: intron variant.
Genome position (GRCh38, 1-based): chr1:2,412,603, G>C on the plus strand (C>G on the coding strand, the complement: PEX10 is on the minus strand). VCF-style: chr1-2412603-G-C. GRCh37 (hg19) VCF-style: chr1-2344042-G-C.
Other names: c.-321+994C>G (NM_001374427.1).
Identifiers: ClinVar variation 1215376 (VCV001215376.34), dbSNP rs111413105, ClinGen allele CA16947682.

ClinVar aggregate classification (germline): Benign/Likely benign. Review status: criteria provided, multiple submitters, no conflicts (2 of 4 stars). 3 submissions from 3 submitters: Benign (1); Likely benign (2). Last evaluated 2023-05-01.

Allele frequency attached by ClinVar (database versions not stated): gnomAD 0.01014 and 0.01005; gnomAD exomes 0.01332; 1000 Genomes Project 0.00419; 1000 Genomes Project 30x 0.00406.

Submissions (3):

CeGaT Center for Human Genetics Tuebingen
Classification: Benign. Last evaluated: 2023-05-01. Review status: criteria provided, single submitter. Criteria: CeGaT Center For Human Genetics Tuebingen Variant Classification Criteria Version 2. Collection method: clinical testing. Allele origin: germline. Affected: yes. Observed: 4 variant alleles.
Comment: PEX10: BS1, BS2

GeneDx
Classification: Likely benign. Last evaluated: 2018-09-26. Review status: criteria provided, single submitter. Criteria: GeneDx Variant Classification Process June 2021. Collection method: clinical testing. Allele origin: germline. Affected: yes.

Breakthrough Genomics
Classification: Likely benign. Review status: criteria provided, single submitter. Criteria: ACMG Guidelines, 2015. Collection method: not provided. Allele origin: germline. Inheritance: Autosomal recessive inheritance. Affected: yes.